The following is an entry in ClinVar:

ClinVar aggregate classification (germline): Uncertain significance. Review status: criteria provided, multiple submitters, no conflicts (2 of 4 stars). 2 submissions from 2 submitters: Uncertain significance (2). Last evaluated 2022-03-20.

Allele frequency attached by ClinVar (database versions not stated): gnomAD exomes below 0.00001.
gnomAD v4.1: 2 of 1,613,282 alleles (0.00012%); highest among the groups gnomAD compares: Non-Finnish European, 0.00017%; no homozygotes.

Submissions (2):

Labcorp Genetics (formerly Invitae), Labcorp
Classification: Uncertain significance. Last evaluated: 2022-03-20. Review status: criteria provided, single submitter. Criteria: Invitae Variant Classification Sherloc (09022015). Collection method: clinical testing. Allele origin: germline.
Comment: This sequence change replaces isoleucine, which is neutral and non-polar, with serine, which is neutral and polar, at codon 279 of the PRPF31 protein (p.Ile279Ser). In summary, the available evidence is currently insufficient to determine the role of this variant in disease. Therefore, it has been classified as a Variant of Uncertain Significance. Algorithms developed to predict the effect of missense changes on protein structure and function (SIFT, PolyPhen-2, Align-GVGD) all suggest that this variant is likely to be disruptive. ClinVar contains an entry for this variant (Variation ID: 1315188). This variant has not been reported in the literature in individuals affected with PRPF31-related conditions. This variant is not present in population databases (gnomAD no frequency).

GeneDx
Classification: Uncertain significance. Last evaluated: 2020-03-11. Review status: criteria provided, single submitter. Criteria: GeneDx Variant Classification Process June 2021. Collection method: clinical testing. Allele origin: germline. Affected: yes.
Comment: Not observed in large population cohorts (Lek et al., 2016); In silico analysis supports that this missense variant has a deleterious effect on protein structure/function; Has not been previously published as pathogenic or benign to our knowledge

NM_015629.4(PRPF31):c.836T>G (p.Ile279Ser)

Gene: PRPF31 (pre-mRNA processing factor 31; plus strand). Cytogenetic location: 19q13.42.
Variant type: single nucleotide variant.
Coding change: c.836T>G on transcript NM_015629.4 (MANE Select); coding-DNA position 836, T replaced by G.
Protein change: p.Ile279Ser; replaces isoleucine 279 with serine.
Molecular consequence: missense variant.
Genome position (GRCh38, 1-based): chr19:54,124,637, T>G. VCF-style: chr19-54124637-T-G. GRCh37 (hg19) VCF-style: chr19-54628016-T-G.
Other names: short protein forms I279S.
Identifiers: ClinVar variation 1315188 (VCV001315188.6), dbSNP rs2146425977, ClinGen allele CA407751477.